The following is an entry in ClinVar:

NM_000444.6(PHEX):c.2071-2A>G

Genes: PHEX (phosphate regulating endopeptidase X-linked; plus strand), PTCHD1-AS (PTCHD1 and PHEX antisense RNA; minus strand). Cytogenetic location: Xp22.11.
Variant type: single nucleotide variant.
Coding change: c.2071-2A>G on transcript NM_000444.6 (MANE Select); the canonical splice acceptor site of the intron before coding-DNA position 2071, A replaced by G.
Molecular consequence: splice acceptor variant. On other transcripts: intron variant (1).
Genome position (GRCh38, 1-based): chrX:22,245,331, A>G. VCF-style: chrX-22245331-A-G. GRCh37 (hg19) VCF-style: chrX-22263448-A-G.
Other names: c.2071-2520A>G (NM_001282754.2).
Identifiers: ClinVar variation 986956 (VCV000986956.12), dbSNP rs1936359447, ClinGen allele CA412575158.

ClinVar aggregate classification (germline): Pathogenic. Review status: criteria provided, multiple submitters, no conflicts (2 of 4 stars). 3 submissions from 3 submitters: Pathogenic (3). Last evaluated 2024-05-23.

Submissions (3):

Labcorp Genetics (formerly Invitae), Labcorp
Classification: Pathogenic. Last evaluated: 2024-05-23. Review status: criteria provided, single submitter. Criteria: Invitae Variant Classification Sherloc (09022015). Collection method: clinical testing. Allele origin: germline.
Comment: This sequence change affects an acceptor splice site in intron 20 of the PHEX gene. It is expected to disrupt RNA splicing. Variants that disrupt the donor or acceptor splice site typically lead to a loss of protein function (PMID: 16199547), and loss-of-function variants in PHEX are known to be pathogenic (PMID: 9097956, 9106524, 19219621). This variant is not present in population databases (gnomAD no frequency). Disruption of this splice site has been observed in individuals with hypophosphatemic rickets (PMID: 10737991, 22695891). This variant is also known as IVS20-2A>G. ClinVar contains an entry for this variant (Variation ID: 986956). Algorithms developed to predict the effect of sequence changes on RNA splicing suggest that this variant may disrupt the consensus splice site. For these reasons, this variant has been classified as Pathogenic.

Athena Diagnostics
Classification: Pathogenic. Last evaluated: 2021-11-05. Review status: criteria provided, single submitter. Criteria: Athena Diagnostics Criteria. Collection method: clinical testing. Allele origin: unknown.
Comment: This variant is expected to severely impact normal RNA splicing, and consequently, protein structure and/or function. This variant has not been reported in large, multi-ethnic general populations. This variant has been identified in at least one individual with clinical features associated with this gene. In some published literature, this variant is referred to as IVS20-2A>G.

Institute of Medical Genetics and Applied Genomics, University Hospital Tübingen
Classification: Pathogenic. Last evaluated: 2020-10-23. Review status: criteria provided, single submitter. Criteria: ACMG Guidelines, 2015. Collection method: clinical testing. Allele origin: germline. Inheritance: X-linked dominant inheritance. Affected: yes.

Literature cited by the submitters: PubMed 16199547 (cited by Labcorp Genetics (formerly Invitae), Labcorp); PubMed 9097956 (cited by Labcorp Genetics (formerly Invitae), Labcorp); PubMed 9106524 (cited by Labcorp Genetics (formerly Invitae), Labcorp); PubMed 19219621 (cited by Labcorp Genetics (formerly Invitae), Labcorp); PubMed 10737991 (cited by Labcorp Genetics (formerly Invitae), Labcorp and Athena Diagnostics); PubMed 22695891 (cited by Labcorp Genetics (formerly Invitae), Labcorp and Athena Diagnostics); PubMed 12414858 (cited by Athena Diagnostics).